The following is an entry in ClinVar:

NM_001101362.3(KBTBD13):c.848dup (p.Cys284fs)

Gene: KBTBD13 (kelch repeat and BTB domain containing 13; plus strand). Cytogenetic location: 15q22.31.
Variant type: Duplication.
Coding change: c.848dup on transcript NM_001101362.3 (MANE Select); coding-DNA position 848, one base duplicated (G; older notation c.848dupG).
Protein change: p.Cys284fs; shifts the reading frame from cysteine 284.
Molecular consequence: frameshift variant.
Genome position (GRCh38, 1-based): chr15:65,077,663, G duplicated; the last of 3 consecutive G bases (chr15:65,077,661-65,077,663); duplicating any one gives the same sequence. VCF-style (leftmost placement, unchanged base first): chr15-65077660-C-CG. GRCh37 (hg19) VCF-style: chr15-65369998-C-CG.
Other names: short protein forms C284fs.
Identifiers: ClinVar variation 1699091 (VCV001699091.3), dbSNP rs2140545005, ClinGen allele CA1139532849.

ClinVar aggregate classification (germline): Uncertain significance (1 of 4 stars; one submission).

Conditions:
Nemaline myopathy 6 (NEM6). Also called: Nemaline myopathy 6, autosomal dominant. Identifiers: Orphanet 171439, MedGen C1836472, MONDO:0012237, OMIM 609273.

Submission:

Victorian Clinical Genetics Services, Murdoch Childrens Research Institute
Classification: Uncertain significance for Nemaline myopathy 6. Last evaluated: 2020-10-19. Review status: criteria provided, single submitter. Criteria: ACMG Guidelines, 2015. Collection method: clinical testing. Allele origin: germline. Inheritance: Autosomal dominant inheritance.
Comment: Based on the classification scheme VCGS_Germline_v1.3.3, this variant is classified as VUS-3B. Following criteria are met: 0105 - The mechanism of disease for this gene is not clearly established. Only missense variants have been reported as pathogenic, with functional evidence suggesting a potential loss- and/or gain of function mechanism (ClinVar, PMID: 30208948, PMID: 31167812, PMID: 31671076). (I) 0107 - This gene is associated with autosomal dominant disease. A single family has been reported with each of recessive hereditary motor neuropathy (PMID: 31167812), and dominant limb girdle muscular dystrophy (PMID: 30208948). (I) 0204 - Variant is predicted to result in a truncated protein (premature termination codon is NOT located at least 54 nucleotides upstream of the final exon-exon junction) with at least 1/3 of the protein sequence affected. (SP) 0251 - This variant is heterozygous. (I) 0301 - Variant is absent from gnomAD (both v2 and v3). (SP) 0600 - Variant is predicted to affect several annotated Kelch repeat motifs (NCBI). (I) 0705 - No comparable truncating variants have previous evidence for pathogenicity. (I) 0807 - This variant has no previous evidence of pathogenicity. (I) 0905 - No published segregation evidence has been identified for this variant. (I) 1007 - No published functional evidence has been identified for this variant. (I) 1208 - Inheritance information for this variant is not currently available in this individual. (I) Legend: (SP) - Supporting pathogenic, (I) - Information, (SB) - Supporting benign

Literature cited by the submitters: PubMed 30208948; PubMed 31167812; PubMed 31671076.